The following is an entry in ClinVar:

NM_000540.3(RYR1):c.733T>C (p.Tyr245His)

Gene: RYR1 (ryanodine receptor 1; plus strand). Cytogenetic location: 19q13.2.
Variant type: single nucleotide variant.
Coding change: c.733T>C on transcript NM_000540.3 (MANE Select); coding-DNA position 733, T replaced by C.
Protein change: p.Tyr245His; replaces tyrosine 245 with histidine.
Molecular consequence: missense variant.
Genome position (GRCh38, 1-based): chr19:38,446,701, T>C. VCF-style: chr19-38446701-T-C. GRCh37 (hg19) VCF-style: chr19-38937341-T-C.
Other names: c.733T>C, p.Tyr245His (NM_001042723.2); short protein forms Y245H.
Identifiers: ClinVar variation 4854147 (VCV004854147.1).
Genomic context (GRCh38, chr19:38,446,701, plus strand): 5'-GACCAGATTCCGGGGAGCTGAACCCTTGACTTCACTCTCTTCTGTGTCCCCAGACTTGTC[T>C]ACTATGAGGGGGGAGCTGTGTGCACTCATGCCCGCTCCCTCTGGAGGCTGGAGCCACTGA-3'
Protein context (NP_000531.2, residues 235-255): ADSDDQRRLV[Tyr245His]YEGGAVCTHA

ClinVar aggregate classification (germline): Uncertain significance (1 of 4 stars; one submission).

Conditions:
Central core myopathy (CMYO1A). Also called: CONGENITAL MYOPATHY 1A, AUTOSOMAL DOMINANT, WITH SUSCEPTIBILITY TO MALIGNANT HYPERTHERMIA; Central core disease; Myopathy, central fibrillar. Identifiers: Orphanet 597, MedGen C5830701, MONDO:0007294, OMIM 117000.

Submission:

3billion
Classification: Uncertain significance for Central core myopathy. Last evaluated: 2025-07-21. Review status: criteria provided, single submitter. Criteria: ACMG Guidelines, 2015. Collection method: clinical testing. Allele origin: germline. Affected: yes.
Comment: The variant is not observed in the gnomAD v4.1.0 dataset. Predicted Consequence/Location: The variant is located in a mutational hot spot and/or well-established functional domain in which established pathogenic variants have been reported (PMID: 33767344). In silico tool predictions suggest damaging effect of the variant on gene or gene product [ 3Cnet: 0.96 (> 0.75, sensitivity 0.96 and precision 0.92)]. Different missense changes at the same codon have been reported as of uncertain significance (ClinVar ID: VCV003073326). Therefore, this variant is classified as VUS according to the recommendation of ACMG/AMP guideline.